The following is an entry in ClinVar:

NM_002907.4(RECQL):c.1679G>C (p.Ser560Thr)

Genes: PYROXD1 (pyridine nucleotide-disulphide oxidoreductase domain 1; plus strand), RECQL (RecQ like helicase; minus strand). Cytogenetic location: 12p12.1.
Variant type: single nucleotide variant.
Coding change: c.1679G>C on transcript NM_002907.4 (MANE Select); coding-DNA position 1679, G replaced by C.
Protein change: p.Ser560Thr; replaces serine 560 with threonine.
Molecular consequence: missense variant. On other transcripts: 3 prime UTR variant (3).
Genome position (GRCh38, 1-based): chr12:21,471,087, C>G on the plus strand (G>C on the coding strand, the complement: RECQL is on the minus strand). VCF-style: chr12-21471087-C-G. GRCh37 (hg19) VCF-style: chr12-21624021-C-G.
Other names: c.1679G>C, p.Ser560Thr (NM_032941.3); c.*2333C>G (NM_001350912.2, NM_001350913.2, NM_024854.5); short protein forms S560T.
Identifiers: ClinVar variation 1777856 (VCV001777856.2), dbSNP rs763502240, ClinGen allele CA384114763.

ClinVar aggregate classification (germline): Uncertain significance (1 of 4 stars; one submission).

Submission:

Ambry Genetics
Classification: Uncertain significance. Last evaluated: 2022-04-19. Review status: criteria provided, single submitter. Criteria: Ambry Variant Classification Scheme 2023. Collection method: clinical testing. Allele origin: germline.
Comment: The p.S560T variant (also known as c.1679G>C), located in coding exon 13 of the RECQL gene, results from a G to C substitution at nucleotide position 1679. The serine at codon 560 is replaced by threonine, an amino acid with similar properties. This amino acid position is conserved. In addition, this alteration is predicted to be tolerated by in silico analysis. Since supporting evidence is limited at this time, the clinical significance of this alteration remains unclear.